The following is an entry in ClinVar:

NM_014915.3(ANKRD26):c.2960T>C (p.Met987Thr)

Gene: ANKRD26 (ankyrin repeat domain 26; minus strand). Cytogenetic location: 10p12.1.
Variant type: single nucleotide variant.
Coding change: c.2960T>C on transcript NM_014915.3 (MANE Select); coding-DNA position 2960, T replaced by C.
Protein change: p.Met987Thr; replaces methionine 987 with threonine.
Molecular consequence: missense variant.
Genome position (GRCh38, 1-based): chr10:27,035,490, A>G on the plus strand (T>C on the coding strand, the complement: ANKRD26 is on the minus strand). VCF-style: chr10-27035490-A-G. GRCh37 (hg19) VCF-style: chr10-27324419-A-G.
Other names: c.2957T>C, p.Met986Thr (NM_001256053.2); short protein forms M987T, M986T.
Identifiers: ClinVar variation 3124335 (VCV003124335.2), dbSNP rs2538765504, ClinGen allele CA376364847.

ClinVar aggregate classification (germline): Uncertain significance (1 of 4 stars; one submission).

Conditions:
Inborn genetic diseases. Identifiers: MedGen C0950123, MeSH D030342.

Submission:

Ambry Genetics
Classification: Uncertain significance for Inborn genetic diseases. Last evaluated: 2026-04-02. Review status: criteria provided, single submitter. Criteria: Ambry Variant Classification Scheme 2023. Collection method: clinical testing. Allele origin: germline.
Comment: The p.M987T variant (also known as c.2960T>C), located in coding exon 24 of the ANKRD26 gene, results from a T to C substitution at nucleotide position 2960. The methionine at codon 987 is replaced by threonine, an amino acid with similar properties. This amino acid position is conserved. In addition, this alteration is predicted to be tolerated by in silico analysis. Based on the available evidence, the clinical significance of this variant remains unclear.